The following is an entry in ClinVar:

NM_001142864.4(PIEZO1):c.6102G>C (p.Gln2034His)

Gene: PIEZO1 (piezo type mechanosensitive ion channel component 1 (Er blood group); minus strand). Cytogenetic location: 16q24.3.
Variant type: single nucleotide variant.
Coding change: c.6102G>C on transcript NM_001142864.4 (MANE Select); coding-DNA position 6102, G replaced by C.
Protein change: p.Gln2034His; replaces glutamine 2034 with histidine.
Molecular consequence: missense variant.
Genome position (GRCh38, 1-based): chr16:88,720,131, C>G on the plus strand (G>C on the coding strand, the complement: PIEZO1 is on the minus strand). VCF-style: chr16-88720131-C-G. GRCh37 (hg19) VCF-style: chr16-88786539-C-G.
Other names: short protein forms Q2034H.
Identifiers: ClinVar variation 3606300 (VCV003606300.2).
Genomic context (GRCh38, chr16:88,720,131, plus strand): 5'-CTCAGTGACGGCGGGCAGGATGAAGAACATCCATAGGTGGATGGCCAGCACCAGCGCCAC[C>G]TGGAAGGCCAGCTTGCCCAGCACGGTCTTGCGCAGGTAGAGGGCGCGGTCAACCACCATG-3'
Protein context (NP_001136336.2, residues 2024-2044): RKTVLGKLAF[Gln2034His]VALVLAIHLW

ClinVar aggregate classification (germline): Uncertain significance (1 of 4 stars; one submission).

Submission:

Labcorp Genetics (formerly Invitae), Labcorp
Classification: Uncertain significance. Last evaluated: 2024-09-30. Review status: criteria provided, single submitter. Criteria: Invitae Variant Classification Sherloc (09022015). Collection method: clinical testing. Allele origin: germline.
Comment: This sequence change replaces glutamine, which is neutral and polar, with histidine, which is basic and polar, at codon 2034 of the PIEZO1 protein (p.Gln2034His). This variant is not present in population databases (gnomAD no frequency). This variant has not been reported in the literature in individuals affected with PIEZO1-related conditions. Invitae Evidence Modeling of protein sequence and biophysical properties (such as structural, functional, and spatial information, amino acid conservation, physicochemical variation, residue mobility, and thermodynamic stability) indicates that this missense variant is not expected to disrupt PIEZO1 protein function with a negative predictive value of 80%. In summary, the available evidence is currently insufficient to determine the role of this variant in disease. Therefore, it has been classified as a Variant of Uncertain Significance.